The following is an entry in ClinVar:

ClinVar aggregate classification (germline): Pathogenic/Likely pathogenic. Review status: criteria provided, multiple submitters, no conflicts (2 of 4 stars). 3 submissions from 3 submitters: Pathogenic (1); Likely pathogenic (1). 1 of the submissions does not count toward it. Last evaluated 2026-01-20.

Conditions:
Tyrosinemia type I (TYRSN1). Also called: FAH DEFICIENCY; HEPATORENAL TYROSINEMIA; Tyrosinemia type 1; Fumarylacetoacetase deficiency; Deficiency of fumarylacetoacetase. Identifiers: Orphanet 882, MedGen C0268490, MONDO:0010161, OMIM 276700. Disease mechanism: loss of function.

Submissions (3):

Natera, Inc.
Classification: Likely pathogenic for Tyrosinemia type I. Last evaluated: 2026-01-20. Review status: criteria provided, single submitter. Criteria: Natera Variant Classification Schema (03/2026). Collection method: clinical testing. Allele origin: germline.
Comment: The c.698A>T variant in FAH is a missense variant predicted to cause substitution of aspartic acid to valine at amino acid 233. This variant is rare in the general population with a frequency below the threshold expected for the associated phenotype(s). This variant has been observed in one or more individuals affected with the associated recessive disease, as either homozygous or compound heterozygous with a second variant (PMID: 23430822). Functional studies show that this variant may disrupt protein function (PMID: 7942842). Computational prediction algorithms indicate this variant is likely to affect gene or protein function. Given the available evidence, this variant is classified as Likely Pathogenic.

Baylor Genetics
Classification: Pathogenic for Tyrosinemia type I. Last evaluated: 2022-09-06. Review status: criteria provided, single submitter. Criteria: ACMG Guidelines, 2015. Collection method: clinical testing. Allele origin: unknown.

GeneReviews
No classification provided. Condition: Tyrosinemia type I. Review status: no classification provided. Collection method: literature only. Allele origin: germline. Not counted in ClinVar's aggregate classification.
Comment: Turkish-specific pathogenic variant resulting from founder effect or genetic drift [Angileri et al 2015].

Literature cited by the submitters: PubMed 23430822 (cited by Natera, Inc.); PubMed 7942842 (cited by Natera, Inc.); NCBI Bookshelf NBK1515 (cited by GeneReviews); PubMed 20301688 (cited by GeneReviews); PubMed 25681080 (cited by GeneReviews).

NM_000137.4(FAH):c.698A>T (p.Asp233Val)

Gene: FAH (fumarylacetoacetate hydrolase; plus strand). Cytogenetic location: 15q25.1.
Variant type: single nucleotide variant.
Coding change: c.698A>T on transcript NM_000137.4 (MANE Select); coding-DNA position 698, A replaced by T.
Protein change: p.Asp233Val; replaces aspartic acid 233 with valine.
Molecular consequence: missense variant.
Genome position (GRCh38, 1-based): chr15:80,172,240, A>T. VCF-style: chr15-80172240-A-T. GRCh37 (hg19) VCF-style: chr15-80464582-A-T.
Other names: c.698A>T, p.Asp233Val (NM_001374377.1, NM_001374380.1); c.698A>T (NM_000137.2); short protein forms D233V.
Identifiers: ClinVar variation 21057 (VCV000021057.7), dbSNP rs80338897, ClinGen allele CA341565.